The following is an entry in ClinVar:

ClinVar aggregate classification (germline): Uncertain significance (1 of 4 stars; one submission).

Conditions:
DICER1-related tumor predisposition. Also called: DICER1 syndrome; DICER1-related pleuropulmonary blastoma cancer predisposition syndrome. Identifiers: Orphanet 284343, MedGen C3839822, MONDO:0100216.

Submission:

Labcorp Genetics (formerly Invitae), Labcorp
Classification: Uncertain significance for DICER1-related tumor predisposition. Last evaluated: 2023-07-08. Review status: criteria provided, single submitter. Criteria: Invitae Variant Classification Sherloc (09022015). Collection method: clinical testing. Allele origin: germline.
Comment: In summary, the available evidence is currently insufficient to determine the role of this variant in disease. Therefore, it has been classified as a Variant of Uncertain Significance. Experimental studies and prediction algorithms are not available or were not evaluated, and the functional significance of this variant is currently unknown. This variant, c.1859_1861del, results in the deletion of 1 amino acid(s) of the DICER1 protein (p.Asp620del), but otherwise preserves the integrity of the reading frame. This variant is present in population databases (rs751955140, gnomAD 0.01%). This variant has not been reported in the literature in individuals affected with DICER1-related conditions.

NM_177438.3(DICER1):c.1859_1861del (p.Asp620del)

Gene: DICER1 (dicer 1, ribonuclease III; minus strand). Cytogenetic location: 14q32.13.
Variant type: Deletion.
Coding change: c.1859_1861del on transcript NM_177438.3 (MANE Select); coding-DNA positions 1859 to 1861, 3 bases deleted (ATG; older notation c.1859_1861delATG).
Protein change: p.Asp620del; deletes aspartic acid 620.
Molecular consequence: inframe deletion. On other transcripts: non-coding transcript variant (6), inframe indel (1).
Genome position (GRCh38, 1-based): chr14:95,115,713-95,115,715, CAT deleted on the plus strand (ATG on the coding strand, the reverse complement: DICER1 is on the minus strand); deleting any 3 consecutive bases within chr14:95,115,713-95,115,716 gives the same sequence; the c. name uses the placement nearest the transcript's 3' end. VCF-style (leftmost placement, unchanged base first): chr14-95115712-CCAT-C. GRCh37 (hg19) VCF-style: chr14-95582049-CCAT-C.
Other names: c.1577_1579del, p.Asp526del (NM_001395686.1); c.1454_1456del, p.Asp485del (NM_001395687.1, NM_001395688.1, NM_001395689.1 and 3 more transcripts); c.1292_1294del, p.Asp431del (NM_001395691.1); c.1859_1861del, p.Asp620del (NM_001395692.1, NM_001395693.1, NM_001395694.1 and 12 more transcripts); c.176_178del, p.Asp59del (NM_001395697.1); c.1858_1860delGAT, p.Asp620del (NM_001395681.1); short protein forms D431del, D526del, D59del, D620del, D485del.
Identifiers: ClinVar variation 2956791 (VCV002956791.3), dbSNP rs751955140, ClinGen allele CA7331384.
Genomic context (GRCh38, chr14:95,115,712, plus strand): 5'-GATATGATGCCATACCTATTGATGTGTCCAATGGCCGTGTTGATTGTGACTCGTGGACCA[CCAT>C]CGTCAGGCCTCAACACATATGGTGGGAAAACGTCATCATCATCCATGACAGGATCAATGT-3'